The following is an entry in ClinVar:

NM_017433.5(MYO3A):c.3436T>C (p.Ser1146Pro)

Gene: MYO3A (myosin IIIA; plus strand). Cytogenetic location: 10p12.1.
Variant type: single nucleotide variant.
Coding change: c.3436T>C on transcript NM_017433.5 (MANE Select); coding-DNA position 3436, T replaced by C.
Protein change: p.Ser1146Pro; replaces serine 1146 with proline.
Molecular consequence: missense variant.
Genome position (GRCh38, 1-based): chr10:26,173,700, T>C. VCF-style: chr10-26173700-T-C. GRCh37 (hg19) VCF-style: chr10-26462629-T-C.
Other names: short protein forms S1146P.
Identifiers: ClinVar variation 1313628 (VCV001313628.2), dbSNP rs1842167510, ClinGen allele CA376338079.

ClinVar aggregate classification (germline): Uncertain significance (1 of 4 stars; one submission).

Allele frequency attached by ClinVar (database versions not stated): gnomAD exomes below 0.00001; TOPMed 0.00001.
gnomAD v4.1: 2 of 1,613,932 alleles (0.00012%); highest among the groups gnomAD compares: African/African-American, 0.0027%; no homozygotes.

Submission:

GeneDx
Classification: Uncertain significance. Last evaluated: 2020-11-04. Review status: criteria provided, single submitter. Criteria: GeneDx Variant Classification Process June 2021. Collection method: clinical testing. Allele origin: germline. Affected: yes.
Comment: Not observed in large population cohorts (Lek et al., 2016); In silico analysis supports that this missense variant does not alter protein structure/function; Has not been previously published as pathogenic or benign to our knowledge